The following is an entry in ClinVar:

NM_001297.5(CNGB1):c.2265C>T (p.Val755=)

Gene: CNGB1 (cyclic nucleotide gated channel subunit beta 1; minus strand). Cytogenetic location: 16q21.
Variant type: single nucleotide variant.
Coding change: c.2265C>T on transcript NM_001297.5 (MANE Select); coding-DNA position 2265, C replaced by T.
Protein change: p.Val755=; no amino-acid change (valine 755 retained).
Molecular consequence: synonymous variant.
Genome position (GRCh38, 1-based): chr16:57,915,288, G>A on the plus strand (C>T on the coding strand, the complement: CNGB1 is on the minus strand). VCF-style: chr16-57915288-G-A. GRCh37 (hg19) VCF-style: chr16-57949192-G-A.
Other names: c.2247C>T, p.Val749= (NM_001286130.2); c.2265C>T (NM_001297.4).
Identifiers: ClinVar variation 1090399 (VCV001090399.11), dbSNP rs377213253, ClinGen allele CA8083086.

ClinVar aggregate classification (germline): Likely benign. Review status: criteria provided, multiple submitters, no conflicts (2 of 4 stars). 3 submissions from 3 submitters: Likely benign (3). Last evaluated 2026-03-22.

Conditions:
CNGB1-related disorder. Also called: CNGB1-related condition.

Allele frequency attached by ClinVar (database versions not stated): ExAC 0.00001; gnomAD 0.00003 and 0.00004; gnomAD exomes 0.00003 and 0.00007; ESP Exome Variant Server 0.00008; TOPMed 0.00010.
gnomAD v4.1: 107 of 1,613,936 alleles (0.0066%); highest among the groups gnomAD compares: Non-Finnish European, 0.0084%; no homozygotes.

Submissions (3):

PreventionGenetics, part of Exact Sciences
Classification: Likely benign for CNGB1-related condition. Last evaluated: 2026-03-22. Review status: criteria provided, single submitter. Criteria: ACMG Guidelines, 2015. Collection method: clinical testing. Allele origin: germline.
Comment: This variant is classified as likely benign based on ACMG/AMP sequence variant interpretation guidelines (Richards et al. 2015 PMID: 25741868, with internal and published modifications).

Labcorp Genetics (formerly Invitae), Labcorp
Classification: Likely benign. Last evaluated: 2025-07-22. Review status: criteria provided, single submitter. Criteria: Invitae Variant Classification Sherloc (09022015). Collection method: clinical testing. Allele origin: germline.

Blueprint Genetics
Classification: Likely benign. Last evaluated: 2024-11-26. Review status: criteria provided, single submitter. Criteria: ACMG Guidelines, 2015. Collection method: clinical testing. Allele origin: germline.